The following is an entry in ClinVar:

NM_000038.6(APC):c.8208T>C (p.Thr2736=)

Gene: APC (APC regulator of Wnt signaling pathway; plus strand). Cytogenetic location: 5q22.2.
Variant type: single nucleotide variant.
Coding change: c.8208T>C on transcript NM_000038.6 (MANE Select); coding-DNA position 8208, T replaced by C.
Protein change: p.Thr2736=; no amino-acid change (threonine 2736 retained).
Molecular consequence: synonymous variant.
Genome position (GRCh38, 1-based): chr5:112,843,802, T>C. VCF-style: chr5-112843802-T-C. GRCh37 (hg19) VCF-style: chr5-112179499-T-C.
Other names: c.7905T>C, p.Thr2635= (NM_001354903.2); c.7830T>C, p.Thr2610= (NM_001354904.2); c.7728T>C, p.Thr2576= (NM_001354905.2); c.7359T>C, p.Thr2453= (NM_001354906.2); c.8208T>C, p.Thr2736= (NM_001127510.3, NM_001354895.2); c.8154T>C, p.Thr2718= (NM_001127511.3); c.8262T>C, p.Thr2754= (NM_001354896.2); c.8238T>C, p.Thr2746= (NM_001354897.2); and 5 more.
Identifiers: ClinVar variation 704945 (VCV000704945.11), dbSNP rs786201421, ClinGen allele CA446211299.
Genomic context (GRCh38, chr5:112,843,802, plus strand): 5'-GGGTTTGGAAAATCGCCTGAACTCCTTTATTCAGGTGGATGCCCCTGACCAAAAAGGAAC[T>C]GAGATAAAACCAGGACAAAATAATCCTGTCCCTGTATCAGAGACTAATGAAAGTTCTATA-3'
Protein context (NP_000029.2, residues 2726-2746): IQVDAPDQKG[Thr2736=]EIKPGQNNPV

ClinVar aggregate classification (germline): Benign/Likely benign. Review status: criteria provided, multiple submitters, no conflicts (2 of 4 stars). 3 submissions from 3 submitters: Benign (1); Likely benign (2). Last evaluated 2024-04-12.

Conditions:
Hereditary cancer-predisposing syndrome. Also called: Neoplastic Syndromes, Hereditary; Hereditary Cancer Syndrome; Tumor predisposition; Hereditary neoplastic syndrome. Identifiers: Orphanet 140162, MedGen C0027672, MeSH D009386, MONDO:0015356.
Familial adenomatous polyposis 1 (FAP1). Also called: FAMILIAL ADENOMATOUS POLYPOSIS 1, ATTENUATED; POLYPOSIS, ADENOMATOUS INTESTINAL. Identifiers: MedGen C2713442, MONDO:0021056, OMIM 175100. Disease mechanism: loss of function.

gnomAD v4.1: 2 of 1,614,030 alleles (0.00012%); highest among the groups gnomAD compares: Non-Finnish European, 0.00017%; no homozygotes.

Submissions (3):

Myriad Genetics, Inc.
Classification: Benign for Familial adenomatous polyposis 1. Last evaluated: 2024-04-12. Review status: criteria provided, single submitter. Criteria: Myriad Autosomal Dominant, Autosomal Recessive and X-Linked Classification Criteria (2023). Collection method: clinical testing. Allele origin: unknown.
Comment: This variant is considered benign. This variant is a silent/synonymous amino acid change and it is not expected to impact splicing.

Ambry Genetics
Classification: Likely benign for Hereditary cancer-predisposing syndrome. Last evaluated: 2023-09-27. Review status: criteria provided, single submitter. Criteria: Ambry Variant Classification Scheme 2023. Collection method: clinical testing. Allele origin: germline.

Labcorp Genetics (formerly Invitae), Labcorp
Classification: Likely benign for Familial adenomatous polyposis 1. Last evaluated: 2022-06-02. Review status: criteria provided, single submitter. Criteria: Invitae Variant Classification Sherloc (09022015). Collection method: clinical testing. Allele origin: germline.